The following is an entry in ClinVar:

ClinVar aggregate classification (germline): Uncertain significance (1 of 4 stars; one submission).

Conditions:
Hypertrophic cardiomyopathy 1 (CMH1). Also called: Familial hypertrophic cardiomyopathy 1; MYH7-Related Familial Hypertrophic Cardiomyopathy. Identifiers: MedGen C3495498, MONDO:0008647, OMIM 192600.

Allele frequency attached by ClinVar (database versions not stated): gnomAD exomes below 0.00001; TOPMed below 0.00001; ExAC 0.00001; gnomAD 0.00001.
gnomAD v4.1: 3 of 1,612,828 alleles (0.00019%); highest among the groups gnomAD compares: Non-Finnish European, 0.00025%; no homozygotes.

Submission:

Labcorp Genetics (formerly Invitae), Labcorp
Classification: Uncertain significance for Hypertrophic cardiomyopathy 1. Last evaluated: 2021-08-27. Review status: criteria provided, single submitter. Criteria: Invitae Variant Classification Sherloc (09022015). Collection method: clinical testing. Allele origin: germline.
Comment: This sequence change replaces serine with glycine at codon 90 of the MYLK2 protein (p.Ser90Gly). The serine residue is weakly conserved and there is a small physicochemical difference between serine and glycine. This variant is present in population databases (rs781322060, ExAC 0.002%). This variant has not been reported in the literature in individuals affected with MYLK2-related conditions. Algorithms developed to predict the effect of missense changes on protein structure and function output the following: SIFT: "Tolerated"; PolyPhen-2: "Benign"; Align-GVGD: "Class C0". The glycine amino acid residue is found in multiple mammalian species, which suggests that this missense change does not adversely affect protein function. In summary, the available evidence is currently insufficient to determine the role of this variant in disease. Therefore, it has been classified as a Variant of Uncertain Significance.

NM_033118.4(MYLK2):c.268A>G (p.Ser90Gly)

Gene: MYLK2 (myosin light chain kinase 2; plus strand). Cytogenetic location: 20q11.21.
Variant type: single nucleotide variant.
Coding change: c.268A>G on transcript NM_033118.4 (MANE Select); coding-DNA position 268, A replaced by G.
Protein change: p.Ser90Gly; replaces serine 90 with glycine.
Molecular consequence: missense variant.
Genome position (GRCh38, 1-based): chr20:31,820,341, A>G. VCF-style: chr20-31820341-A-G. GRCh37 (hg19) VCF-style: chr20-30408144-A-G.
Other names: short protein forms S90G.
Identifiers: ClinVar variation 1405060 (VCV001405060.6), dbSNP rs781322060, ClinGen allele CA9802880.